The following is an entry in ClinVar:

ClinVar aggregate classification (germline): Uncertain significance (1 of 4 stars; one submission).

Allele frequency attached by ClinVar (database versions not stated): gnomAD 0.00001; gnomAD exomes 0.00001; ExAC 0.00002; TOPMed 0.00002; ESP Exome Variant Server 0.00008.
gnomAD v4.1: 12 of 1,612,730 alleles (0.00074%); highest among the groups gnomAD compares: Non-Finnish European, 0.00085%; no homozygotes.

Submission:

Labcorp Genetics (formerly Invitae), Labcorp
Classification: Uncertain significance. Last evaluated: 2023-06-23. Review status: criteria provided, single submitter. Criteria: Invitae Variant Classification Sherloc (09022015). Collection method: clinical testing. Allele origin: germline.
Comment: In summary, the available evidence is currently insufficient to determine the role of this variant in disease. Therefore, it has been classified as a Variant of Uncertain Significance. An algorithm developed to predict the effect of missense changes on protein structure and function (PolyPhen-2) suggests that this variant is likely to be disruptive. This missense change has been observed in individual(s) with microcephalic dwarfism (PMID: 28191891). In at least one individual the data is consistent with being in trans (on the opposite chromosome) from a pathogenic variant. It has also been observed to segregate with disease in related individuals. This variant is present in population databases (rs374688527, gnomAD 0.01%). This sequence change replaces glutamic acid, which is acidic and polar, with lysine, which is basic and polar, at codon 504 of the DONSON protein (p.Glu504Lys).

Literature cited by the submitters: PubMed 28191891.

NM_017613.4(DONSON):c.1510G>A (p.Glu504Lys)

Gene: DONSON (DNA replication fork stabilization factor DONSON; minus strand). Cytogenetic location: 21q22.11.
Variant type: single nucleotide variant.
Coding change: c.1510G>A on transcript NM_017613.4 (MANE Select); coding-DNA position 1510, G replaced by A.
Protein change: p.Glu504Lys; replaces glutamic acid 504 with lysine.
Molecular consequence: missense variant.
Genome position (GRCh38, 1-based): chr21:33,579,403, C>T on the plus strand (G>A on the coding strand, the complement: DONSON is on the minus strand). VCF-style: chr21-33579403-C-T. GRCh37 (hg19) VCF-style: chr21-34951709-C-T.
Other names: short protein forms E504K.
Identifiers: ClinVar variation 2736985 (VCV002736985.1), dbSNP rs374688527, ClinGen allele CA10010301.